The following is an entry in ClinVar:

ClinVar aggregate classification (germline): Uncertain significance (1 of 4 stars; one submission).

gnomAD v4.1: 5 of 1,613,852 alleles (0.00031%); highest among the groups gnomAD compares: Non-Finnish European, 0.00042%; no homozygotes.

Submission:

Mayo Clinic Laboratories, Mayo Clinic
Classification: Uncertain significance. Last evaluated: 2024-08-16. Review status: criteria provided, single submitter. Criteria: ACMG Guidelines, 2015. Collection method: clinical testing. Allele origin: germline. Observed: 1 variant allele.
Comment: PM2

NM_005720.4(ARPC1B):c.708-3C>A

Gene: ARPC1B (actin related protein 2/3 complex subunit 1B; plus strand). Cytogenetic location: 7q22.1.
Variant type: single nucleotide variant.
Coding change: c.708-3C>A on transcript NM_005720.4 (MANE Select); 3 bases into the intron before coding-DNA position 708, C replaced by A.
Molecular consequence: intron variant.
Genome position (GRCh38, 1-based): chr7:99,391,175, C>A. VCF-style: chr7-99391175-C-A. GRCh37 (hg19) VCF-style: chr7-98988798-C-A.
Other names: p.?.
Identifiers: ClinVar variation 3379781 (VCV003379781.1).